The following is an entry in ClinVar:

NM_017780.4(CHD7):c.1957C>T (p.Pro653Ser)

Genes: CHD7 (chromodomain helicase DNA binding protein 7; plus strand), LOC126860403 (CDK7 strongly-dependent group 2 enhancer GRCh37_chr8:61693034-61694233; plus strand). Cytogenetic location: 8q12.2.
Variant type: single nucleotide variant.
Coding change: c.1957C>T on transcript NM_017780.4 (MANE Select); coding-DNA position 1957, C replaced by T.
Protein change: p.Pro653Ser; replaces proline 653 with serine.
Molecular consequence: missense variant. On other transcripts: intron variant (1).
Genome position (GRCh38, 1-based): chr8:60,781,291, C>T. VCF-style: chr8-60781291-C-T. GRCh37 (hg19) VCF-style: chr8-61693850-C-T.
Other names: c.1716+241C>T (NM_001316690.1); short protein forms P653S.
Identifiers: ClinVar variation 2906804 (VCV002906804.3), dbSNP rs1483205730, ClinGen allele CA371313195.
Genomic context (GRCh38, chr8:60,781,291, plus strand): 5'-TCACTGGATGGGTCCCAAGAAGAAAAAAAGAAAAAGAAAAGGTCAAAGGCAAAAAAAGAC[C>T]CGAAGGAACCGAAAGAACCCAAGGAGAAAAAAGAGCCCAAGGAACCCAAGACCCCGAAAG-3'
Protein context (NP_060250.2, residues 643-663): KKKRSKAKKD[Pro653Ser]KEPKEPKEKK

ClinVar aggregate classification (germline): Uncertain significance (1 of 4 stars; one submission).

Conditions:
CHARGE syndrome (CHARGE). Also called: Hittner Hirsch Kreh syndrome; CHARGE ASSOCIATION--COLOBOMA, HEART ANOMALY, CHOANAL ATRESIA, RETARDATION, GENITAL AND EAR ANOMALIES; Coloboma, heart anomaly, choanal atresia, retardation, genital and ear anomalies; CHARGE association; Hall-Hittner syndrome. Identifiers: Orphanet 138, MedGen C0265354, MONDO:0008965.

Allele frequency attached by ClinVar (database versions not stated): gnomAD 0.00001.
gnomAD v4.1: 1 of 1,562,818 alleles (0.000064%); highest among the groups gnomAD compares: Non-Finnish European, 0.000087%; no homozygotes.

Submission:

Labcorp Genetics (formerly Invitae), Labcorp
Classification: Uncertain significance for CHARGE syndrome. Last evaluated: 2023-09-08. Review status: criteria provided, single submitter. Criteria: Invitae Variant Classification Sherloc (09022015). Collection method: clinical testing. Allele origin: germline.
Comment: Advanced modeling of protein sequence and biophysical properties (such as structural, functional, and spatial information, amino acid conservation, physicochemical variation, residue mobility, and thermodynamic stability) performed at Invitae indicates that this missense variant is not expected to disrupt CHD7 protein function. In summary, the available evidence is currently insufficient to determine the role of this variant in disease. Therefore, it has been classified as a Variant of Uncertain Significance. This variant has not been reported in the literature in individuals affected with CHD7-related conditions. This sequence change replaces proline, which is neutral and non-polar, with serine, which is neutral and polar, at codon 653 of the CHD7 protein (p.Pro653Ser). This variant is not present in population databases (gnomAD no frequency).